The following is an entry in ClinVar:

ClinVar aggregate classification (germline): Uncertain significance (1 of 4 stars; one submission).

Conditions:
Hereditary cancer-predisposing syndrome. Also called: Neoplastic Syndromes, Hereditary; Tumor predisposition; Hereditary Cancer Syndrome; Hereditary neoplastic syndrome. Identifiers: Orphanet 140162, MedGen C0027672, MeSH D009386, MONDO:0015356.

Submission:

Ambry Genetics
Classification: Uncertain significance for Hereditary cancer-predisposing syndrome. Last evaluated: 2022-05-21. Review status: criteria provided, single submitter. Criteria: Ambry Variant Classification Scheme 2023. Collection method: clinical testing. Allele origin: germline.
Comment: The p.P1166S variant (also known as c.3496C>T), located in coding exon 29 of the TSC2 gene, results from a C to T substitution at nucleotide position 3496. The proline at codon 1166 is replaced by serine, an amino acid with similar properties. This amino acid position is conserved. In addition, this alteration is predicted to be tolerated by in silico analysis. Since supporting evidence is limited at this time, the clinical significance of this alteration remains unclear.

NM_000548.5(TSC2):c.3496C>T (p.Pro1166Ser)

Gene: TSC2 (TSC complex subunit 2; plus strand). Cytogenetic location: 16p13.3.
Variant type: single nucleotide variant.
Coding change: c.3496C>T on transcript NM_000548.5 (MANE Select); coding-DNA position 3496, C replaced by T.
Protein change: p.Pro1166Ser; replaces proline 1166 with serine.
Molecular consequence: missense variant.
Genome position (GRCh38, 1-based): chr16:2,080,263, C>T. VCF-style: chr16-2080263-C-T. GRCh37 (hg19) VCF-style: chr16-2130264-C-T.
Other names: c.3364C>T, p.Pro1122Ser (NM_001077183.3, NM_001370404.1, NM_001406665.1); c.3496C>T, p.Pro1166Ser (NM_001114382.3); c.3256C>T, p.Pro1086Ser (NM_001318827.2); c.3220C>T, p.Pro1074Ser (NM_001318829.2); c.2764C>T, p.Pro922Ser (NM_001318831.2, NM_001406687.1, NM_001406688.1); c.3397C>T, p.Pro1133Ser (NM_001318832.2); c.3367C>T, p.Pro1123Ser (NM_001363528.2, NM_001370405.1, NM_021055.3); c.3493C>T, p.Pro1165Ser (NM_001406663.1, NM_001406664.1); and 18 more; short protein forms P1073S, P1103S, P1153S, P1085S, P1118S, P1119S, P1129S, P1165S.
Identifiers: ClinVar variation 1731986 (VCV001731986.2), dbSNP rs1265032446, ClinGen allele CA394289131.